The following is an entry in ClinVar:

NM_000053.4(ATP7B):c.2605G>A (p.Gly869Arg)

Gene: ATP7B (ATPase copper transporting beta; minus strand). Cytogenetic location: 13q14.3.
Variant type: single nucleotide variant.
Coding change: c.2605G>A on transcript NM_000053.4 (MANE Select); coding-DNA position 2605, G replaced by A.
Protein change: p.Gly869Arg; replaces glycine 869 with arginine.
Molecular consequence: missense variant.
Genome position (GRCh38, 1-based): chr13:51,950,132, C>T on the plus strand (G>A on the coding strand, the complement: ATP7B is on the minus strand). VCF-style: chr13-51950132-C-T. GRCh37 (hg19) VCF-style: chr13-52524268-C-T.
Other names: c.2119G>A, p.Gly707Arg (NM_001005918.3); c.2272G>A, p.Gly758Arg (NM_001243182.2); c.2371G>A, p.Gly791Arg (NM_001330578.2); c.2353G>A, p.Gly785Arg (NM_001330579.2); short protein forms G869R, G707R, G785R, G758R, G791R.
Identifiers: ClinVar variation 157939 (VCV000157939.114), dbSNP rs191312027, ClinGen allele CA271172.
Genomic context (GRCh38, chr13:51,950,132, plus strand): 5'-GGGTAGCTTTAATGAGCACAGAGCCATGTGCATTTATAGACCCCGCAATTACAGTGCTTC[C>T]GGGTTTCTTAGTGACTGGCATGGCTTCTCCTAGACGTAGGAAAGAGACAACTGTCACTTG-3'
Protein context (NP_000044.2, residues 859-879): GEAMPVTKKP[Gly869Arg]STVIAGSINA

ClinVar aggregate classification (germline): Pathogenic/Likely pathogenic. Review status: criteria provided, multiple submitters, no conflicts (2 of 4 stars). 31 submissions from 31 submitters: Pathogenic (20); Likely pathogenic (8). 3 of the submissions do not count toward it. Last evaluated 2026-10-01.

Conditions:
ATP7B-related disorder. Also called: ATP7B-related condition.
Inborn genetic diseases. Identifiers: MedGen C0950123, MeSH D030342.
Wilson disease (WND). Also called: Wilson's disease. Identifiers: Orphanet 905, MedGen C0019202, MONDO:0010200, OMIM 277900. Disease mechanism: loss of function.

Allele frequency attached by ClinVar (database versions not stated): TOPMed 0.00092; 1000 Genomes Project 0.00100; gnomAD 0.00101; 1000 Genomes Project 30x 0.00109; ESP Exome Variant Server 0.00116.
gnomAD v4.1: 2,082 of 1,614,172 alleles (0.13%); highest among the groups gnomAD compares: Non-Finnish European, 0.16%; 3 homozygotes.

Submissions 1 to 8 of 31:

CeGaT Center for Human Genetics Tuebingen
Classification: Pathogenic. Last evaluated: 2026-10-01. Review status: criteria provided, single submitter. Criteria: CeGaT Center For Human Genetics Tuebingen Variant Classification Criteria Version 2. Collection method: clinical testing. Allele origin: germline. Affected: yes. Observed: 16 variant alleles.
Comment: ATP7B: PM3:Very Strong, PM2:Supporting, PP3

PreventionGenetics, part of Exact Sciences
Classification: Pathogenic for ATP7B-related condition. Last evaluated: 2026-05-27. Review status: criteria provided, single submitter. Criteria: ACMG Guidelines, 2015. Collection method: clinical testing. Allele origin: germline.
Comment: The ATP7B c.2605G>A variant is predicted to result in the amino acid substitution p.Gly869Arg. This variant was reported in many individuals with varied features consistent with autosomal recessive Wilson disease (Shah et al. 1997. PubMed ID: 9311736; Margarit et al. 2005. PubMed ID: 15952988; Hua et al. 2016. PubMed ID: 27398169; Gu et al. 2013. PubMed ID: 23843956; Huang et al. 2022. PubMed ID: 35470480). However, this variant is also reported in 0.16% of alleles in individuals of European (non-Finnish) descent including 3 homozygotes in gnomAD v4.0.0. This higher-than-expected allele frequency is consistent with this variant being a mild or possibly low penetrance variant (García-Villarreal et al. 2000. PubMed ID: 11093740; Wallace et al. 2020. PubMed ID: 32248359). In summary, this variant is interpreted as pathogenic.

Labcorp Genetics (formerly Invitae), Labcorp
Classification: Pathogenic for Wilson disease. Last evaluated: 2026-02-02. Review status: criteria provided, single submitter. Criteria: Invitae Variant Classification Sherloc (09022015). Collection method: clinical testing. Allele origin: germline.
Comment: This sequence change replaces glycine, which is neutral and non-polar, with arginine, which is basic and polar, at codon 869 of the ATP7B protein (p.Gly869Arg). This variant is present in population databases (rs191312027, gnomAD 0.1%), and has an allele count higher than expected for a pathogenic variant. This missense change has been observed in individual(s) with Wilson disease (PMID: 11093740, 15952988, 23843956, 27398169, 30702195). ClinVar contains an entry for this variant (Variation ID: 157939). Invitae Evidence Modeling of protein sequence and biophysical properties (such as structural, functional, and spatial information, amino acid conservation, physicochemical variation, residue mobility, and thermodynamic stability) indicates that this missense variant is expected to disrupt ATP7B protein function with a positive predictive value of 80%. For these reasons, this variant has been classified as Pathogenic.

Victorian Clinical Genetics Services, Murdoch Childrens Research Institute
Classification: Pathogenic for Wilson disease. Last evaluated: 2025-12-30. Review status: criteria provided, single submitter. Criteria: ACMG Guidelines, 2015. Collection method: clinical testing. Allele origin: germline.
Comment: This variant is classified as Pathogenic. Evidence in support of pathogenic classification: Variant is present in gnomAD <0.01 for a recessive condition (v4: 2076 heterozygote(s), 3 homozygote(s)); This variant has strong previous evidence of pathogenicity in unrelated individuals. This variant has been classified as likely pathogenic/pathogenic by many clinical laboratories in ClinVar. Additionally, it has been reported in the literature in a presumed compound heterozygous state in individuals with Wilson disease, but phase information was not provided (PMID: 27398169, 30702195); Missense variant predicted to be damaging by in silico tool(s) or highly conserved with a major amino acid change. Additional information: Variant is predicted to result in a missense amino acid change from Gly to Arg; This variant is heterozygous; This gene is associated with autosomal recessive disease; Alternative amino acid change(s) at the same position are present in gnomAD (highest allele count: v4: 6 heterozygote(s), 0 homozygote(s)); Variant is located in the annotated E1-E2_ATPase domain (DECIPHER); Loss of function is a known mechanism of disease in this gene and is associated with Wilson disease (MIM#277900); The condition associated with this gene has incomplete penetrance (PMID: 23219664); Inheritance information for this variant is not currently available in this individual.

GeneDx
Classification: Likely pathogenic. Last evaluated: 2025-12-16. Review status: criteria provided, single submitter. Criteria: GeneDx Variant Classification Process June 2021. Collection method: clinical testing. Allele origin: germline. Affected: yes.
Comment: Described as a mild variant associated with reduced penetrance as it has been observed in association with late-onset, a mild phenotype, and in asymptomatic adult twins from a single family (PMID: 11093740, 32248359, 22692182, 23219664); In silico analysis supports that this missense variant has a deleterious effect on protein structure/function; This variant is associated with the following publications: (PMID: 11093740, 18371106, 17433323, 17949296, 27022412, 23518715, 24720933, 24094725, 27398169, 30702195, 30097039, 32248359, 22692182, 15952988, 9311736, 23843956, 34426522, 33159754, 33258288, 31980526, 35637795, 35470480, 35844287, 30275481, 35314707, 36253962, 34620762, 33159804, 35220961, 34405919, 30254379, 36437915, 37445923, 36910591, 23219664, 34381985, 37147621, 37937776, 31708252, 39322449, 39198578, 39502306, 38167091, 39719440, 40088892, 39969324, 38532509, 40661833)

Natera, Inc.
Classification: Pathogenic for Wilson disease. Last evaluated: 2025-12-05. Review status: criteria provided, single submitter. Criteria: Natera Variant Classification Schema (03/2026). Collection method: clinical testing. Allele origin: germline.
Comment: The c.2605G>A variant in ATP7B is a missense variant predicted to cause substitution of glycine to arginine at amino acid 869. This variant is rare in the general population with a frequency below the threshold expected for the associated phenotype(s). This variant has been observed in one or more individuals affected with the associated recessive disease, as either homozygous or compound heterozygous with a second variant (PMID: 23843956, 30702195, 27398169, 15952988, 30232804). Computational prediction algorithms indicate this variant is likely to affect gene or protein function. Given the available evidence, this variant is classified as Pathogenic.

Mayo Clinic Laboratories, Mayo Clinic
Classification: Pathogenic. Last evaluated: 2025-09-08. Review status: criteria provided, single submitter. Criteria: ACMG Guidelines, 2015. Collection method: clinical testing. Allele origin: germline. Observed: 10 variant alleles.
Comment: PP3_moderate, PP4_moderate, PM2_supporting, PS4_moderate

Greenwood Genetic Center Diagnostic Laboratories, Greenwood Genetic Center
Classification: Pathogenic for Wilson disease. Last evaluated: 2025-05-27. Review status: criteria provided, single submitter. Criteria: ACMG Guidelines, 2015. Collection method: clinical testing. Allele origin: germline. Affected: yes.
Comment: PM2, PM3_Very Strong, PP3